The following is an entry in ClinVar:

ClinVar aggregate classification (germline): Uncertain significance. Review status: criteria provided, multiple submitters, no conflicts (2 of 4 stars). 2 submissions from 2 submitters: Uncertain significance (2). Last evaluated 2024-03-19.

Conditions:
Hereditary cancer-predisposing syndrome. Also called: Hereditary Cancer Syndrome; Neoplastic Syndromes, Hereditary; Hereditary neoplastic syndrome; Tumor predisposition. Identifiers: Orphanet 140162, MedGen C0027672, MeSH D009386, MONDO:0015356.
Hereditary breast ovarian cancer syndrome. Also called: BRCA1- and BRCA2-Associated Hereditary Breast and Ovarian Cancer; Hereditary breast and ovarian cancer syndrome; Hereditary breast and ovarian cancer syndrome (HBOC); Hereditary breast and/or ovarian cancer syndrome; Breast and ovarian cancer; Hereditary breast and ovarian cancer. Identifiers: Orphanet 145, MedGen C0677776, MeSH D061325, MONDO:0003582. Disease mechanism: loss of function.

Allele frequency attached by ClinVar (database versions not stated): gnomAD exomes below 0.00001.
gnomAD v4.1: 2 of 1,614,104 alleles (0.00012%); highest among the groups gnomAD compares: South Asian, 0.0022%; no homozygotes.

Submissions (2):

Ambry Genetics
Classification: Uncertain significance for Hereditary cancer-predisposing syndrome. Last evaluated: 2024-03-19. Review status: criteria provided, single submitter. Criteria: Ambry Variant Classification Scheme 2023. Collection method: clinical testing. Allele origin: germline.
Comment: The p.Q756R variant (also known as c.2267A>G), located in coding exon 10 of the BRCA2 gene, results from an A to G substitution at nucleotide position 2267. The glutamine at codon 756 is replaced by arginine, an amino acid with highly similar properties. This amino acid position is conserved. In addition, this alteration is predicted to be tolerated by in silico analysis. Based on the available evidence, the clinical significance of this alteration remains unclear.

Labcorp Genetics (formerly Invitae), Labcorp
Classification: Uncertain significance for Hereditary breast ovarian cancer syndrome. Last evaluated: 2023-09-27. Review status: criteria provided, single submitter. Criteria: Invitae Variant Classification Sherloc (09022015). Collection method: clinical testing. Allele origin: germline.
Comment: This sequence change replaces glutamine, which is neutral and polar, with arginine, which is basic and polar, at codon 756 of the BRCA2 protein (p.Gln756Arg). This variant is present in population databases (no rsID available, gnomAD 0.003%). This variant has not been reported in the literature in individuals affected with BRCA2-related conditions. Advanced modeling of protein sequence and biophysical properties (such as structural, functional, and spatial information, amino acid conservation, physicochemical variation, residue mobility, and thermodynamic stability) performed at Invitae indicates that this missense variant is not expected to disrupt BRCA2 protein function. In summary, the available evidence is currently insufficient to determine the role of this variant in disease. Therefore, it has been classified as a Variant of Uncertain Significance.

NM_000059.4(BRCA2):c.2267A>G (p.Gln756Arg)

Gene: BRCA2 (BRCA2 DNA repair associated; plus strand). Cytogenetic location: 13q13.1.
Variant type: single nucleotide variant.
Coding change: c.2267A>G on transcript NM_000059.4 (MANE Select); coding-DNA position 2267, A replaced by G.
Protein change: p.Gln756Arg; replaces glutamine 756 with arginine.
Molecular consequence: missense variant. On other transcripts: non-coding transcript variant (1), intron variant (2).
Genome position (GRCh38, 1-based): chr13:32,336,622, A>G. VCF-style: chr13-32336622-A-G. GRCh37 (hg19) VCF-style: chr13-32910759-A-G.
Other names: c.2267A>G, p.Gln756Arg (NM_001406719.1, NM_001406720.1); c.1909+3235A>G (NM_001406721.1); c.424+5592A>G (NM_001406722.1); short protein forms Q756R.
Identifiers: ClinVar variation 2743415 (VCV002743415.4), dbSNP rs1374193072, ClinGen allele CA387771052.